The following is an entry in ClinVar:

ClinVar aggregate classification (germline): Uncertain significance (1 of 4 stars; one submission).

Conditions:
Hereditary cancer-predisposing syndrome. Also called: Hereditary Cancer Syndrome; Hereditary neoplastic syndrome; Neoplastic Syndromes, Hereditary; Tumor predisposition. Identifiers: Orphanet 140162, MedGen C0027672, MeSH D009386, MONDO:0015356.

Submission:

Ambry Genetics
Classification: Uncertain significance for Hereditary cancer-predisposing syndrome. Last evaluated: 2022-03-16. Review status: criteria provided, single submitter. Criteria: Ambry Variant Classification Scheme 2023. Collection method: clinical testing. Allele origin: germline.
Comment: The p.E394Q variant (also known as c.1180G>C), located in coding exon 10 of the CHEK2 gene, results from a G to C substitution at nucleotide position 1180. The glutamic acid at codon 394 is replaced by glutamine, an amino acid with highly similar properties. This amino acid position is conserved. In addition, this alteration is predicted to be deleterious by in silico analysis. Since supporting evidence is limited at this time, the clinical significance of this alteration remains unclear.

NM_007194.4(CHEK2):c.1180G>C (p.Glu394Gln)

Gene: CHEK2 (checkpoint kinase 2; minus strand). Cytogenetic location: 22q12.1.
Variant type: single nucleotide variant.
Coding change: c.1180G>C on transcript NM_007194.4 (MANE Select); coding-DNA position 1180, G replaced by C.
Protein change: p.Glu394Gln; replaces glutamic acid 394 with glutamine.
Molecular consequence: missense variant.
Genome position (GRCh38, 1-based): chr22:28,695,789, C>G on the plus strand (G>C on the coding strand, the complement: CHEK2 is on the minus strand). VCF-style: chr22-28695789-C-G. GRCh37 (hg19) VCF-style: chr22-29091777-C-G.
Other names: c.1309G>C, p.Glu437Gln (NM_001005735.3); c.517G>C, p.Glu173Gln (NM_001257387.3); c.979G>C, p.Glu327Gln (NM_001349956.3); c.1093G>C, p.Glu365Gln (NM_145862.3); short protein forms E173Q, E365Q, E437Q, E327Q, E394Q.
Identifiers: ClinVar variation 1742182 (VCV001742182.2), dbSNP rs587780169, ClinGen allele CA411096810.
Genomic context (GRCh38, chr22:28,695,789, plus strand): 5'-CTAAACTCCAGCAGTCCACAGCACGGTTATACCCAGCAGTCCCAACAGAAACAAGAACTT[C>G]AGGCGCCAAGTAGGTGGGGGTTCCACATAAGGTTCTCATGAGAGAGGTCTCTCCCAAAAT-3'
Protein context (NP_009125.1, residues 384-404): LCGTPTYLAP[Glu394Gln]VLVSVGTAGY